The following is an entry in ClinVar:

NM_001127222.2(CACNA1A):c.5069C>A (p.Ala1690Asp)

Gene: CACNA1A (calcium voltage-gated channel subunit alpha1 A; minus strand). Cytogenetic location: 19p13.13.
Variant type: single nucleotide variant.
Coding change: c.5069C>A on transcript NM_001127222.2 (MANE Select); coding-DNA position 5069, C replaced by A.
Protein change: p.Ala1690Asp; replaces alanine 1690 with aspartic acid.
Molecular consequence: missense variant.
Genome position (GRCh38, 1-based): chr19:13,235,273, G>T on the plus strand (C>A on the coding strand, the complement: CACNA1A is on the minus strand). VCF-style: chr19-13235273-G-T. GRCh37 (hg19) VCF-style: chr19-13346087-G-T.
Other names: c.5087C>A, p.Ala1696Asp (NM_000068.4, NM_023035.3); c.5072C>A, p.Ala1691Asp (NM_001127221.2); c.5078C>A, p.Ala1693Asp (NM_001174080.2); short protein forms A1690D, A1691D, A1693D, A1696D.
Identifiers: ClinVar variation 3363550 (VCV003363550.2).

ClinVar aggregate classification (germline): Uncertain significance (1 of 4 stars; one submission).

gnomAD v4.1: 2 of 1,588,146 alleles (0.00013%); highest among the groups gnomAD compares: Admixed American, 0.0018%; no homozygotes.

Submission:

GeneDx
Classification: Uncertain significance. Last evaluated: 2026-05-13. Review status: criteria provided, single submitter. Criteria: GeneDx Variant Classification Process June 2021. Collection method: clinical testing. Allele origin: germline.
Comment: Not observed at significant frequency in large population cohorts (gnomAD); In silico analysis supports that this missense variant has a deleterious effect on protein structure/function; Has not been previously published as pathogenic or benign to our knowledge